The following is an entry in ClinVar:

NM_006904.7(PRKDC):c.6894-3T>C

Gene: PRKDC (protein kinase, DNA-activated, catalytic subunit; minus strand). Cytogenetic location: 8q11.21.
Variant type: single nucleotide variant.
Coding change: c.6894-3T>C on transcript NM_006904.7 (MANE Select); 3 bases into the intron before coding-DNA position 6894, T replaced by C.
Molecular consequence: intron variant.
Genome position (GRCh38, 1-based): chr8:47,852,787, A>G on the plus strand (T>C on the coding strand, the complement: PRKDC is on the minus strand). VCF-style: chr8-47852787-A-G. GRCh37 (hg19) VCF-style: chr8-48765348-A-G.
Other names: c.6894-3T>C (NM_001081640.2).
Identifiers: ClinVar variation 1063878 (VCV001063878.7), dbSNP rs1589743073, ClinGen allele CA1113546600.
Genomic context (GRCh38, chr8:47,852,787, plus strand): 5'-GGCATACACTTCTTTATATCTTACAAAGGACATATTATTCACCAAAGCCTGGAAGTATCT[A>G]CAATAAACACAGAAAAGACATATGCATCAAATAAACCATTCTGTTGTTCCACAAATATAA-3'

ClinVar aggregate classification (germline): Uncertain significance (1 of 4 stars; one submission).

Conditions:
Severe combined immunodeficiency due to DNA-PKcs deficiency. Also called: Immunodeficiency 26 with or without neurologic abnormalities; IMMUNODEFICIENCY 26 WITH NEUROLOGIC ABNORMALITIES. Identifiers: Orphanet 317425, MedGen C4014833, MONDO:0014423, OMIM 615966.

Allele frequency attached by ClinVar (database versions not stated): gnomAD 0.00001.
gnomAD v4.1: 1 of 1,522,598 alleles (0.000066%); highest among the groups gnomAD compares: African/African-American, 0.0014%; no homozygotes.

Submission:

Labcorp Genetics (formerly Invitae), Labcorp
Classification: Uncertain significance for Severe combined immunodeficiency due to DNA-PKcs deficiency. Last evaluated: 2022-09-27. Review status: criteria provided, single submitter. Criteria: Invitae Variant Classification Sherloc (09022015). Collection method: clinical testing. Allele origin: germline.
Comment: Variants that disrupt the consensus splice site are a relatively common cause of aberrant splicing (PMID: 17576681, 9536098). Experimental studies and prediction algorithms are not available or were not evaluated, and the effect of this variant on mRNA splicing is currently unknown. This sequence change falls in intron 51 of the PRKDC gene. It does not directly change the encoded amino acid sequence of the PRKDC protein. It affects a nucleotide within the consensus splice site. This variant is not present in population databases (gnomAD no frequency). This variant has not been reported in the literature in individuals affected with PRKDC-related conditions. ClinVar contains an entry for this variant (Variation ID: 1063878). In summary, the available evidence is currently insufficient to determine the role of this variant in disease. Therefore, it has been classified as a Variant of Uncertain Significance.

Literature cited by the submitters: PubMed 17576681; PubMed 9536098.